The following is an entry in ClinVar:

NM_015346.4(ZFYVE26):c.2302C>T (p.Arg768Trp)

Gene: ZFYVE26 (zinc finger FYVE-type containing 26; minus strand). Cytogenetic location: 14q24.1.
Variant type: single nucleotide variant.
Coding change: c.2302C>T on transcript NM_015346.4 (MANE Select); coding-DNA position 2302, C replaced by T.
Protein change: p.Arg768Trp; replaces arginine 768 with tryptophan.
Molecular consequence: missense variant.
Genome position (GRCh38, 1-based): chr14:67,797,702, G>A on the plus strand (C>T on the coding strand, the complement: ZFYVE26 is on the minus strand). VCF-style: chr14-67797702-G-A. GRCh37 (hg19) VCF-style: chr14-68264419-G-A.
Other names: short protein forms R768W.
Identifiers: ClinVar variation 2137196 (VCV002137196.3), dbSNP rs761795382, ClinGen allele CA7240345.

ClinVar aggregate classification (germline): Uncertain significance (1 of 4 stars; one submission).

Conditions:
Spastic paraplegia. Identifiers: MedGen C0037772, HP:0001258.

Allele frequency attached by ClinVar (database versions not stated): ExAC 0.00001.
gnomAD v4.1: 13 of 1,614,192 alleles (0.00081%); highest among the groups gnomAD compares: South Asian, 0.0066%; no homozygotes.

Submission:

Labcorp Genetics (formerly Invitae), Labcorp
Classification: Uncertain significance for Spastic paraplegia. Last evaluated: 2024-03-12. Review status: criteria provided, single submitter. Criteria: Invitae Variant Classification Sherloc (09022015). Collection method: clinical testing. Allele origin: germline.
Comment: This sequence change replaces arginine, which is basic and polar, with tryptophan, which is neutral and slightly polar, at codon 768 of the ZFYVE26 protein (p.Arg768Trp). This variant is present in population databases (rs761795382, gnomAD 0.006%). This variant has not been reported in the literature in individuals affected with ZFYVE26-related conditions. ClinVar contains an entry for this variant (Variation ID: 2137196). An algorithm developed to predict the effect of missense changes on protein structure and function (PolyPhen-2) suggests that this variant is likely to be disruptive. In summary, the available evidence is currently insufficient to determine the role of this variant in disease. Therefore, it has been classified as a Variant of Uncertain Significance.